The following is an entry in ClinVar:

NM_001290043.2(TAP2):c.1714G>A (p.Glu572Lys)

Gene: TAP2 (transporter 2, ATP binding cassette subfamily B member; minus strand). Cytogenetic location: 6p21.32.
Variant type: single nucleotide variant.
Coding change: c.1714G>A on transcript NM_001290043.2 (MANE Select); coding-DNA position 1714, G replaced by A.
Protein change: p.Glu572Lys; replaces glutamic acid 572 with lysine.
Molecular consequence: missense variant.
Genome position (GRCh38, 1-based): chr6:32,830,011, C>T on the plus strand (G>A on the coding strand, the complement: TAP2 is on the minus strand). VCF-style: chr6-32830011-C-T. GRCh37 (hg19) VCF-style: chr6-32797788-C-T.
Other names: c.1714G>A, p.Glu572Lys (NM_000544.3, NM_018833.3); short protein forms E572K.
Identifiers: ClinVar variation 639852 (VCV000639852.6), dbSNP rs370090254, ClinGen allele CA3745818.

ClinVar aggregate classification (germline): Uncertain significance (1 of 4 stars; one submission).

Conditions:
MHC class I deficiency. Identifiers: Orphanet 34592, MedGen C6024714, MONDO:0011476.

Allele frequency attached by ClinVar (database versions not stated): ExAC 0.00001; gnomAD exomes 0.00001; gnomAD 0.00003; TOPMed 0.00003.
gnomAD v4.1: 13 of 1,612,998 alleles (0.00081%); highest among the groups gnomAD compares: African/African-American, 0.008%; no homozygotes.

Submission:

Labcorp Genetics (formerly Invitae), Labcorp
Classification: Uncertain significance for MHC class I deficiency 1. Last evaluated: 2021-08-26. Review status: criteria provided, single submitter. Criteria: Invitae Variant Classification Sherloc (09022015). Collection method: clinical testing. Allele origin: germline.
Comment: This sequence change replaces glutamic acid with lysine at codon 572 of the TAP2 protein (p.Glu572Lys). The glutamic acid residue is weakly conserved and there is a small physicochemical difference between glutamic acid and lysine. This variant is present in population databases (rs370090254, ExAC 0.01%). This variant has not been reported in the literature in individuals affected with TAP2-related conditions. Algorithms developed to predict the effect of missense changes on protein structure and function (SIFT, PolyPhen-2, Align-GVGD) all suggest that this variant is likely to be tolerated. In summary, the available evidence is currently insufficient to determine the role of this variant in disease. Therefore, it has been classified as a Variant of Uncertain Significance.